The following is an entry in ClinVar:

NM_001844.5(COL2A1):c.3464G>T (p.Gly1155Val)

Gene: COL2A1 (collagen type II alpha 1 chain; minus strand). Cytogenetic location: 12q13.11.
Variant type: single nucleotide variant.
Coding change: c.3464G>T on transcript NM_001844.5 (MANE Select); coding-DNA position 3464, G replaced by T.
Protein change: p.Gly1155Val; replaces glycine 1155 with valine.
Molecular consequence: missense variant.
Genome position (GRCh38, 1-based): chr12:47,976,539, C>A on the plus strand (G>T on the coding strand, the complement: COL2A1 is on the minus strand). VCF-style: chr12-47976539-C-A. GRCh37 (hg19) VCF-style: chr12-48370322-C-A.
Other names: c.3257G>T, p.Gly1086Val (NM_033150.3); short protein forms G1086V, G1155V.
Identifiers: ClinVar variation 2735839 (VCV002735839.3), dbSNP rs1938716355, ClinGen allele CA384537521.
Genomic context (GRCh38, chr12:47,976,539, plus strand): 5'-GGGCCCCCTCCATCTTCCAACTCCATGTCACTTACTCTAGGGCCAGAAGGACCAGCAGGA[C>A]CAGAAGCACCTTGGTCTCCAGAAGGACCCTGTGTAGAAGGAAGAGGCAAAAGGCCACGGT-3'
Protein context (NP_001835.3, residues 1145-1165): PGPSGDQGAS[Gly1155Val]PAGPSGPRGP

ClinVar aggregate classification (germline): Pathogenic (1 of 4 stars; one submission).

Submission:

Labcorp Genetics (formerly Invitae), Labcorp
Classification: Pathogenic. Last evaluated: 2023-10-10. Review status: criteria provided, single submitter. Criteria: Invitae Variant Classification Sherloc (09022015). Collection method: clinical testing. Allele origin: germline.
Comment: This sequence change replaces glycine, which is neutral and non-polar, with valine, which is neutral and non-polar, at codon 1155 of the COL2A1 protein (p.Gly1155Val). This variant is not present in population databases (gnomAD no frequency). This missense change has been observed in individuals with autosomal dominant COL2A1-related conditions (PMID: 22791362, 35052477). Advanced modeling of protein sequence and biophysical properties (such as structural, functional, and spatial information, amino acid conservation, physicochemical variation, residue mobility, and thermodynamic stability) performed at Invitae indicates that this missense variant is expected to disrupt COL2A1 protein function. This variant disrupts the triple helix domain of COL2A1. Glycine residues within the Gly-Xaa-Yaa repeats of the triple helix domain are required for the structure and stability of fibrillar collagens (PMID: 7695699, 8218237, 19344236). In COL2A1, variants affecting these glycine residues are significantly enriched in individuals with disease (PMID: 9016532, 17078022) compared to the general population (ExAC). For these reasons, this variant has been classified as Pathogenic.

Literature cited by the submitters: PubMed 22791362; PubMed 35052477; PubMed 7695699; PubMed 8218237; PubMed 19344236; PubMed 9016532; PubMed 17078022.